The following is an entry in ClinVar:

ClinVar aggregate classification (germline): Uncertain significance. Review status: criteria provided, multiple submitters, no conflicts (2 of 4 stars). 4 submissions from 4 submitters: Uncertain significance (4). Last evaluated 2025-04-28.

Conditions:
BAP1-related tumor predisposition syndrome (TPDS1). Also called: BAP1 tumor predisposition syndrome; COMMON Syndrome; Tumor susceptibility linked to germline BAP1 mutations; TUMOR PREDISPOSITION SYNDROME 1. Identifiers: Orphanet 289539, MedGen C3280492, MONDO:0013692, OMIM 614327.
Hereditary cancer-predisposing syndrome. Also called: Hereditary neoplastic syndrome; Neoplastic Syndromes, Hereditary; Hereditary Cancer Syndrome; Tumor predisposition. Identifiers: Orphanet 140162, MedGen C0027672, MeSH D009386, MONDO:0015356.

Allele frequency attached by ClinVar (database versions not stated): gnomAD exomes below 0.00001; TOPMed 0.00001.
gnomAD v4.1: 5 of 1,614,092 alleles (0.00031%); highest among the groups gnomAD compares: Non-Finnish European, 0.00042%; no homozygotes.

Submissions (4):

GeneDx
Classification: Uncertain significance. Last evaluated: 2025-04-28. Review status: criteria provided, single submitter. Criteria: GeneDx Variant Classification Process June 2021. Collection method: clinical testing. Allele origin: germline. Affected: yes.
Comment: Not observed at significant frequency in large population cohorts (gnomAD); In silico analysis indicates that this missense variant does not alter protein structure/function; Has not been previously published as pathogenic or benign to our knowledge

Labcorp Genetics (formerly Invitae), Labcorp
Classification: Uncertain significance for BAP1-related tumor predisposition syndrome. Last evaluated: 2024-07-19. Review status: criteria provided, single submitter. Criteria: Invitae Variant Classification Sherloc (09022015). Collection method: clinical testing. Allele origin: germline.
Comment: This sequence change replaces arginine, which is basic and polar, with cysteine, which is neutral and slightly polar, at codon 540 of the BAP1 protein (p.Arg540Cys). This variant is not present in population databases (gnomAD no frequency). This variant has not been reported in the literature in individuals affected with BAP1-related conditions. ClinVar contains an entry for this variant (Variation ID: 660125). Advanced modeling of protein sequence and biophysical properties (such as structural, functional, and spatial information, amino acid conservation, physicochemical variation, residue mobility, and thermodynamic stability) performed at Invitae indicates that this missense variant is not expected to disrupt BAP1 protein function with a negative predictive value of 80%. RNA analysis performed to evaluate the impact of this missense change on mRNA splicing indicates it does not significantly alter splicing (Invitae). In summary, the available evidence is currently insufficient to determine the role of this variant in disease. Therefore, it has been classified as a Variant of Uncertain Significance.

Color Diagnostics, LLC DBA Color Health
Classification: Uncertain significance for Hereditary cancer-predisposing syndrome. Last evaluated: 2024-03-06. Review status: criteria provided, single submitter. Criteria: ACMG Guidelines, 2015. Collection method: clinical testing. Allele origin: germline.
Comment: This missense variant replaces arginine with cysteine at codon 540 of the BAP1 protein. Computational prediction suggests that this variant may not impact protein structure and function (internally defined REVEL score threshold <= 0.5, PMID: 27666373). To our knowledge, functional studies have not been reported for this variant. This variant has not been reported in individuals affected with hereditary cancer in the literature. This variant has not been identified in the general population by the Genome Aggregation Database (gnomAD). The available evidence is insufficient to determine the role of this variant in disease conclusively. Therefore, this variant is classified as a Variant of Uncertain Significance.

Ambry Genetics
Classification: Uncertain significance for Hereditary cancer-predisposing syndrome. Last evaluated: 2021-11-15. Review status: criteria provided, single submitter. Criteria: Ambry Variant Classification Scheme 2023. Collection method: clinical testing. Allele origin: germline.
Comment: The p.R540C variant (also known as c.1618C>T), located in coding exon 13 of the BAP1 gene, results from a C to T substitution at nucleotide position 1618. The arginine at codon 540 is replaced by cysteine, an amino acid with highly dissimilar properties. This amino acid position is highly conserved in available vertebrate species. In addition, this alteration is predicted to be deleterious by in silico analysis. Since supporting evidence is limited at this time, the clinical significance of this alteration remains unclear.

NM_004656.4(BAP1):c.1618C>T (p.Arg540Cys)

Gene: BAP1 (BRCA1 associated deubiquitinase 1; minus strand). Cytogenetic location: 3p21.1.
Variant type: single nucleotide variant.
Coding change: c.1618C>T on transcript NM_004656.4 (MANE Select); coding-DNA position 1618, C replaced by T.
Protein change: p.Arg540Cys; replaces arginine 540 with cysteine.
Molecular consequence: missense variant.
Genome position (GRCh38, 1-based): chr3:52,403,527, G>A on the plus strand (C>T on the coding strand, the complement: BAP1 is on the minus strand). VCF-style: chr3-52403527-G-A. GRCh37 (hg19) VCF-style: chr3-52437543-G-A.
Other names: short protein forms R540C.
Identifiers: ClinVar variation 660125 (VCV000660125.14), dbSNP rs903346372, ClinGen allele CA74740654.